The following is an entry in ClinVar:

NM_000038.6(APC):c.135+6A>G

Gene: APC (APC regulator of Wnt signaling pathway; plus strand). Cytogenetic location: 5q22.2.
Variant type: single nucleotide variant.
Coding change: c.135+6A>G on transcript NM_000038.6 (MANE Select); 6 bases into the intron after coding-DNA position 135, A replaced by G.
Molecular consequence: intron variant.
Genome position (GRCh38, 1-based): chr5:112,755,031, A>G. VCF-style: chr5-112755031-A-G. GRCh37 (hg19) VCF-style: chr5-112090728-A-G.
Other names: c.135+6A>G (NM_001354895.2, NM_001127510.3, NM_001354896.2 and 2 more transcripts); c.166-11295A>G (NM_001354897.2, NM_001354902.2, NM_001127511.3); c.61-11295A>G (NM_001354898.2, NM_001354904.2); c.-901+6A>G (NM_001354906.2); c.-42-11295A>G (NM_001354900.2, NM_001354901.2, NM_001354905.2).
Identifiers: ClinVar variation 672308 (VCV000672308.5), dbSNP rs1581122282, ClinGen allele CA915943439.

ClinVar aggregate classification (germline): Likely benign. Review status: criteria provided, multiple submitters, no conflicts (2 of 4 stars). 2 submissions from 2 submitters: Likely benign (2). Last evaluated 2025-09-16.

Conditions:
Familial adenomatous polyposis 1 (FAP1). Also called: FAMILIAL ADENOMATOUS POLYPOSIS 1, ATTENUATED; POLYPOSIS, ADENOMATOUS INTESTINAL. Identifiers: MedGen C2713442, MONDO:0021056, OMIM 175100. Disease mechanism: loss of function.

Submissions (2):

Labcorp Genetics (formerly Invitae), Labcorp
Classification: Likely benign for Familial adenomatous polyposis 1. Last evaluated: 2025-09-16. Review status: criteria provided, single submitter. Criteria: Invitae Variant Classification Sherloc (09022015). Collection method: clinical testing. Allele origin: germline.

GeneDx
Classification: Likely benign. Last evaluated: 2018-06-14. Review status: criteria provided, single submitter. Criteria: GeneDx Variant Classification (06012015). Collection method: clinical testing. Allele origin: germline. Affected: yes.
Comment: This variant is considered likely benign or benign based on one or more of the following criteria: it is a conservative change, it occurs at a poorly conserved position in the protein, it is predicted to be benign by multiple in silico algorithms, and/or has population frequency not consistent with disease.